The following is an entry in ClinVar:

ClinVar aggregate classification (germline): Uncertain significance (1 of 4 stars; one submission).

Conditions:
Neonatal-onset encephalopathy with rigidity and seizures. Also called: Lethal neonatal spasticity-epileptic encephalopathy syndrome. Identifiers: Orphanet 435845, MedGen C3281029, MONDO:0013784, OMIM 614498.

Submission:

Labcorp Genetics (formerly Invitae), Labcorp
Classification: Uncertain significance for Neonatal-onset encephalopathy with rigidity and seizures. Last evaluated: 2022-06-14. Review status: criteria provided, single submitter. Criteria: Invitae Variant Classification Sherloc (09022015). Collection method: clinical testing. Allele origin: germline.
Comment: In summary, the available evidence is currently insufficient to determine the role of this variant in disease. Therefore, it has been classified as a Variant of Uncertain Significance. Algorithms developed to predict the effect of missense changes on protein structure and function (SIFT, PolyPhen-2, Align-GVGD) all suggest that this variant is likely to be tolerated. This variant has not been reported in the literature in individuals affected with BRAT1-related conditions. This variant is not present in population databases (gnomAD no frequency). This sequence change replaces alanine, which is neutral and non-polar, with glycine, which is neutral and non-polar, at codon 676 of the BRAT1 protein (p.Ala676Gly).

NM_152743.4(BRAT1):c.2027C>G (p.Ala676Gly)

Gene: BRAT1 (BRCA1 associated ATM activator 1; minus strand). Cytogenetic location: 7p22.3.
Variant type: single nucleotide variant.
Coding change: c.2027C>G on transcript NM_152743.4 (MANE Select); coding-DNA position 2027, C replaced by G.
Protein change: p.Ala676Gly; replaces alanine 676 with glycine.
Molecular consequence: missense variant. On other transcripts: non-coding transcript variant (1).
Genome position (GRCh38, 1-based): chr7:2,538,508, G>C on the plus strand (C>G on the coding strand, the complement: BRAT1 is on the minus strand). VCF-style: chr7-2538508-G-C. GRCh37 (hg19) VCF-style: chr7-2578142-G-C.
Other names: c.2207C>G, p.Ala736Gly (NM_001350626.2); c.1502C>G, p.Ala501Gly (NM_001350627.2); short protein forms A501G, A736G, A676G.
Identifiers: ClinVar variation 2006489 (VCV002006489.4), dbSNP rs865893083, ClinGen allele CA366624924.